The following is an entry in ClinVar:

NM_000059.4(BRCA2):c.56G>T (p.Cys19Phe)

Gene: BRCA2 (BRCA2 DNA repair associated; plus strand). Cytogenetic location: 13q13.1.
Variant type: single nucleotide variant.
Coding change: c.56G>T on transcript NM_000059.4 (MANE Select); coding-DNA position 56, G replaced by T.
Protein change: p.Cys19Phe; replaces cysteine 19 with phenylalanine.
Molecular consequence: missense variant.
Genome position (GRCh38, 1-based): chr13:32,316,516, G>T. VCF-style: chr13-32316516-G-T. GRCh37 (hg19) VCF-style: chr13-32890653-G-T.
Other names: short protein forms C19F.
Identifiers: ClinVar variation 491295 (VCV000491295.5), dbSNP rs1370260227, ClinGen allele CA387753083.

ClinVar aggregate classification (germline): Uncertain significance. Review status: criteria provided, multiple submitters, no conflicts (2 of 4 stars). 2 submissions from 2 submitters: Uncertain significance (2). Last evaluated 2025-10-09.

Conditions:
Hereditary cancer-predisposing syndrome. Also called: Hereditary neoplastic syndrome; Tumor predisposition; Hereditary Cancer Syndrome; Neoplastic Syndromes, Hereditary. Identifiers: Orphanet 140162, MedGen C0027672, MeSH D009386, MONDO:0015356.

Allele frequency attached by ClinVar (database versions not stated): gnomAD exomes below 0.00001; TOPMed below 0.00001; gnomAD below 0.00001 and 0.00001.
gnomAD v4.1: 3 of 1,613,630 alleles (0.00019%); highest among the groups gnomAD compares: South Asian, 0.0033%; no homozygotes.

Submissions (2):

Quest Diagnostics Nichols Institute San Juan Capistrano
Classification: Uncertain significance. Last evaluated: 2025-10-09. Review status: criteria provided, single submitter. Criteria: Quest Diagnostics criteria. Collection method: clinical testing. Allele origin: unknown.
Comment: The BRCA2 c.56G>T (p.Cys19Phe) variant has not been reported in individuals with BRCA2-related conditions in the published literature. The frequency of this variant in the general population (Genome Aggregation Database) is uninformative in the assessment of its pathogenicity. Analysis of this variant using bioinformatics tools for the prediction of the effect of amino acid changes on protein structure and function yielded conflicting predictions that this variant is benign or damaging. Based on the available information, we are unable to determine the clinical significance of this variant.

Color Diagnostics, LLC DBA Color Health
Classification: Uncertain significance for Hereditary cancer-predisposing syndrome. Last evaluated: 2019-06-08. Review status: criteria provided, single submitter. Criteria: ACMG Guidelines, 2015. Collection method: clinical testing. Allele origin: germline.